The following is an entry in ClinVar:

ClinVar aggregate classification (germline): Pathogenic (1 of 4 stars; one submission).

Conditions:
Lowe syndrome (OCRL). Also called: LOWE OCULOCEREBRORENAL SYNDROME; PHOSPHATIDYLINOSITOL 4,5-BISPHOSPHATE 5-PHOSPHATASE DEFICIENCY; Oculocerebrorenal Syndrome. Identifiers: Orphanet 534, MedGen C0028860, MONDO:0010645, OMIM 309000.

Submission:

Labcorp Genetics (formerly Invitae), Labcorp
Classification: Pathogenic for Lowe syndrome. Last evaluated: 2022-09-16. Review status: criteria provided, single submitter. Criteria: Invitae Variant Classification Sherloc (09022015). Collection method: clinical testing. Allele origin: germline.
Comment: For these reasons, this variant has been classified as Pathogenic. This variant has not been reported in the literature in individuals affected with OCRL-related conditions. This variant is not present in population databases (gnomAD no frequency). This sequence change creates a premature translational stop signal (p.Glu566*) in the OCRL gene. It is expected to result in an absent or disrupted protein product. Loss-of-function variants in OCRL are known to be pathogenic (PMID: 19390221, 21031565, 22381590).

Literature cited by the submitters: PubMed 19390221; PubMed 21031565; PubMed 22381590.

NM_000276.4(OCRL):c.1696G>T (p.Glu566Ter)

Gene: OCRL (OCRL inositol polyphosphate-5-phosphatase; plus strand). Cytogenetic location: Xq26.1.
Variant type: single nucleotide variant.
Coding change: c.1696G>T on transcript NM_000276.4 (MANE Select); coding-DNA position 1696, G replaced by T.
Protein change: p.Glu566Ter; replaces glutamic acid 566 with a stop codon.
Molecular consequence: nonsense.
Genome position (GRCh38, 1-based): chrX:129,575,233, G>T. VCF-style: chrX-129575233-G-T. GRCh37 (hg19) VCF-style: chrX-128709210-G-T.
Other names: c.1699G>T, p.Glu567Ter (NM_001318784.2); c.1696G>T, p.Glu566Ter (NM_001587.4); short protein forms E566*, E567*.
Identifiers: ClinVar variation 2027694 (VCV002027694.4), dbSNP rs2521918290, ClinGen allele CA414617897.